The following is an entry in ClinVar:

ClinVar aggregate classification (germline): Uncertain significance. Review status: criteria provided, multiple submitters, no conflicts (2 of 4 stars). 2 submissions from 2 submitters: Uncertain significance (2). Last evaluated 2024-02-22.

Conditions:
Chronic kidney disease. Identifiers: MedGen C1561643, MONDO:0005300, HP:0012622.

gnomAD v4.1: 6 of 1,609,760 alleles (0.00037%); highest among the groups gnomAD compares: South Asian, 0.0022%; no homozygotes.

Submissions (2):

Labcorp Genetics (formerly Invitae), Labcorp
Classification: Uncertain significance. Last evaluated: 2024-02-22. Review status: criteria provided, single submitter. Criteria: Invitae Variant Classification Sherloc (09022015). Collection method: clinical testing. Allele origin: germline.
Comment: This sequence change replaces glycine, which is neutral and non-polar, with serine, which is neutral and polar, at codon 209 of the APOA1 protein (p.Gly209Ser). This variant is not present in population databases (gnomAD no frequency). This missense change has been observed in individual(s) with clinical features of APOA1-related conditions (PMID: 32723786). ClinVar contains an entry for this variant (Variation ID: 915860). Advanced modeling of protein sequence and biophysical properties (such as structural, functional, and spatial information, amino acid conservation, physicochemical variation, residue mobility, and thermodynamic stability) performed at Invitae indicates that this missense variant is not expected to disrupt APOA1 protein function with a negative predictive value of 80%. In summary, the available evidence is currently insufficient to determine the role of this variant in disease. Therefore, it has been classified as a Variant of Uncertain Significance.

Cavalleri Lab, Royal College of Surgeons in Ireland
Classification: Uncertain significance for Chronic kidney disease. Last evaluated: 2020-05-28. Review status: criteria provided, single submitter. Criteria: ACMG Guidelines, 2015. Collection method: research. Allele origin: unknown. Inheritance: Autosomal dominant inheritance. Affected: yes.
Comment: PM1, PP3

Literature cited by the submitters: PubMed 32723786 (cited by Labcorp Genetics (formerly Invitae), Labcorp).

NM_000039.3(APOA1):c.625G>A (p.Gly209Ser)

Gene: APOA1 (apolipoprotein A1; minus strand). Cytogenetic location: 11q23.3.
Variant type: single nucleotide variant.
Coding change: c.625G>A on transcript NM_000039.3 (MANE Select); coding-DNA position 625, G replaced by A.
Protein change: p.Gly209Ser; replaces glycine 209 with serine.
Molecular consequence: missense variant.
Genome position (GRCh38, 1-based): chr11:116,835,987, C>T on the plus strand (G>A on the coding strand, the complement: APOA1 is on the minus strand). VCF-style: chr11-116835987-C-T. GRCh37 (hg19) VCF-style: chr11-116706703-C-T.
Other names: c.625G>A, p.Gly209Ser (NM_001318017.2, NM_001318018.2); c.298G>A, p.Gly100Ser (NM_001318021.2); short protein forms G100S, G209S.
Identifiers: ClinVar variation 915860 (VCV000915860.3), dbSNP rs1439470829, ClinGen allele CA382714888.